The following is an entry in ClinVar:

NM_007294.4(BRCA1):c.5471T>C (p.Ile1824Thr)

Gene: BRCA1 (BRCA1 DNA repair associated; minus strand). Cytogenetic location: 17q21.31.
Variant type: single nucleotide variant.
Coding change: c.5471T>C on transcript NM_007294.4 (MANE Select); coding-DNA position 5471, T replaced by C.
Protein change: p.Ile1824Thr; replaces isoleucine 1824 with threonine.
Molecular consequence: missense variant. On other transcripts: synonymous variant (17).
Genome position (GRCh38, 1-based): chr17:43,045,799, A>G on the plus strand (T>C on the coding strand, the complement: BRCA1 is on the minus strand). VCF-style: chr17-43045799-A-G. GRCh37 (hg19) VCF-style: chr17-41197816-A-G.
Other names: c.5258T>C, p.Ile1753Thr (NM_001407571.1, NM_001407894.1, NM_001407895.1 and 12 more transcripts); c.5537T>C, p.Ile1846Thr (NM_001407581.1, NM_001407582.1); c.5534T>C, p.Ile1845Thr (NM_001407583.1, NM_001407585.1, NM_001407587.1 and 1 more transcripts); c.5531T>C, p.Ile1844Thr (NM_001407590.1, NM_001407591.1); c.5471T>C, p.Ile1824Thr (NM_001407593.1, NM_001407594.1, NM_001407596.1 and 5 more transcripts); c.5468T>C, p.Ile1823Thr (NM_001407610.1, NM_001407611.1, NM_001407612.1 and 14 more transcripts); c.5465T>C, p.Ile1822Thr (NM_001407627.1, NM_001407628.1, NM_001407629.1 and 13 more transcripts); c.5462T>C, p.Ile1821Thr (NM_001407644.1, NM_001407645.1); and 83 more; short protein forms I1824T, I1777T, I1845T, I720T, I1697T, I1712T, I1752T, I1754T.
Identifiers: ClinVar variation 867578 (VCV000867578.19), dbSNP rs1301025671, ClinGen allele CA10590396.

ClinVar aggregate classification (germline): Conflicting classifications of pathogenicity. Review status: criteria provided, conflicting classifications (1 of 4 stars). 4 submissions from 4 submitters: Uncertain significance (2); Likely benign (2). Last evaluated 2025-07-30.

Conditions:
Hereditary cancer-predisposing syndrome. Also called: Neoplastic Syndromes, Hereditary; Tumor predisposition; Hereditary Cancer Syndrome; Hereditary neoplastic syndrome. Identifiers: Orphanet 140162, MedGen C0027672, MeSH D009386, MONDO:0015356.
Hereditary breast ovarian cancer syndrome. Also called: Hereditary breast and ovarian cancer; Hereditary breast and ovarian cancer syndrome (HBOC); Breast and ovarian cancer; Hereditary breast and/or ovarian cancer syndrome; BRCA1- and BRCA2-Associated Hereditary Breast and Ovarian Cancer; Hereditary breast and ovarian cancer syndrome. Identifiers: Orphanet 145, MedGen C0677776, MeSH D061325, MONDO:0003582. Disease mechanism: loss of function.
Breast-ovarian cancer, familial, susceptibility to, 1 (BROVCA1). Also called: BRCA1 Hereditary Breast and Ovarian Cancer; OVARIAN CANCER, SUSCEPTIBILITY TO. Identifiers: Orphanet 145, MedGen C2676676, MONDO:0011450, OMIM 604370. Disease mechanism: loss of function.

Allele frequency attached by ClinVar (database versions not stated): gnomAD exomes below 0.00001; gnomAD 0.00001.
gnomAD v4.1: 5 of 1,612,088 alleles (0.00031%); highest among the groups gnomAD compares: Non-Finnish European, 0.00042%; no homozygotes.

Submissions (5):

Labcorp Genetics (formerly Invitae), Labcorp
Classification: Uncertain significance for Hereditary breast ovarian cancer syndrome. Last evaluated: 2025-07-30. Review status: criteria provided, single submitter. Criteria: Invitae Variant Classification Sherloc (09022015). Collection method: clinical testing. Allele origin: germline.
Comment: This sequence change replaces isoleucine, which is neutral and non-polar, with threonine, which is neutral and polar, at codon 1824 of the BRCA1 protein (p.Ile1824Thr). This variant is present in population databases (no rsID available, gnomAD 0.007%). This variant has not been reported in the literature in individuals affected with BRCA1-related conditions. ClinVar contains an entry for this variant (Variation ID: 867578). Invitae Evidence Modeling incorporating data from in vitro experimental studies (PMID: 30209399) indicates that this missense variant is not expected to disrupt BRCA1 function with a negative predictive value of 95%. Experimental studies have shown that this missense change does not substantially affect BRCA1 function (PMID: 30209399). In summary, the available evidence is currently insufficient to determine the role of this variant in disease. Therefore, it has been classified as a Variant of Uncertain Significance.

Ambry Genetics
Classification: Likely benign for Hereditary cancer-predisposing syndrome. Last evaluated: 2024-06-18. Review status: criteria provided, single submitter. Criteria: Ambry Variant Classification Scheme 2023. Collection method: clinical testing. Allele origin: germline.

Lupski Lab, Baylor-Hopkins CMG, Baylor College of Medicine
Classification: Likely benign for Breast-ovarian cancer, familial, susceptibility to, 1. Last evaluated: 2024-04-12. Review status: criteria provided, single submitter. Criteria: Dawood et al. (medRxiv. 2024). Collection method: curation. Allele origin: germline.
Comment: Each variant was annotated with functional scores from MAVE data which was translated into functional evidence codes. All other evidence codes and combining criteria were adhered to as closely as possible based on the ClinGen VCEP (Variant Curation Expert Panel) gene-specific recommendations. See Supplemental Figure 34 of final paper (Supp Fig. 28 in preprint: doi:10.1101/2024.04.11.24305690) for a table to see which lines of evidence we did not have data for. The ClinGen VCEPs are highly regarded as the gold-standard for gene-specific variant curation and are developed after extensive evaluation of the evidence by clinical and scientific experts for the particular gene to classify genomic variants on a spectrum from pathogenic to benign using the 2015 ACMG/AMP Variant Interpretation Guidelines as a backbone (PMID: 25741868). Reclassification of these VUS variants from gnomAD or All of Us focused only on variants originally prescribed as VUS in ClinVar. To ensure reproducibility, transparency, and increased throughput, all the procedures for annotating variants and assigning evidence codes were codified using Python. All code has been made freely available and is linked in the Code Availability section and all reclassified variants with evidence codes used can be found in Tables S18-19 (preprint: doi:10.1101/2024.04.11.24305690). For the MAVE data, the clinical curation and clinical strength assignment as per the ClinGen recommendations in Brnich et al. (2020) (PMID: 31892348) for or against pathogenicity or benignity of each of these MAVE datasets utilized in this study were previously published in Fayer et al. (2021) (PMID: 34793697).In brief, for BRCA1 variants, if a variant was categorized as FUNC (functional), it was assigned BS3 evidence and no PS3 evidence, whereas if it was categorized as LOF (loss of function), the variant was assigned PS3 evidence and no BS3 evidence. Variants categorized as INT (intermediate) were left unannotated. For the BRCA1 combining criteria, greater than or equal to 1 criteria of strong benign evidence was enough to reclassify the VUS as Likely Benign. This variant GRCh37:17:41197816:A>G was assigned evidence codes ['BS3'] and an overall classification of Likely Benign

GeneDx
Classification: Uncertain significance. Last evaluated: 2023-03-22. Review status: criteria provided, single submitter. Criteria: GeneDx Variant Classification Process June 2021. Collection method: clinical testing. Allele origin: germline. Affected: yes.
Comment: Published functional studies demonstrate no damaging effect: variant classified as functional based on a saturation genome editing (SGE) assay measuring cell survival (Findlay et al., 2018); Not observed at significant frequency in large population cohorts (gnomAD); In silico analysis supports that this missense variant has a deleterious effect on protein structure/function; Also known as 5590T>C; This variant is associated with the following publications: (PMID: 25348405, 30209399, 29884841, 32377563)

Brotman Baty Institute, University of Washington
No classification provided (evidence only). Condition: Breast-ovarian cancer, familial 1. Review status: no classification provided. Collection method: in vitro. Allele origin: not applicable. Functional consequence: functionally_normal. Not counted in ClinVar's aggregate classification.
ClinVar note: "not provided" was previously submitted as the classification for the variant. However, the classification appeared to be based only on an observation of functional data so it was converted to no classification on 2025-07-30.

Literature cited by the submitters: PubMed 30209399 (cited by Labcorp Genetics (formerly Invitae), Labcorp and Ambry Genetics); PubMed 39142283 (cited by Lupski Lab, Baylor-Hopkins CMG, Baylor College of Medicine); PubMed 34793697 (cited by Lupski Lab, Baylor-Hopkins CMG, Baylor College of Medicine); DOI 10.1101/2024.04.11.24305690 (cited by Lupski Lab, Baylor-Hopkins CMG, Baylor College of Medicine).